The following is an entry in ClinVar:

ClinVar aggregate classification (germline): Pathogenic/Likely pathogenic. Review status: criteria provided, multiple submitters, no conflicts (2 of 4 stars). 3 submissions from 3 submitters: Pathogenic (1); Likely pathogenic (2). Last evaluated 2024-12-31.

Conditions:
Galactosemia. Also called: Galactose intolerance. Identifiers: Orphanet 352, MedGen C0016952, MONDO:0018116, HP:0004919. Disease mechanism: loss of function.
Deficiency of UDPglucose-hexose-1-phosphate uridylyltransferase. Also called: Galactosemia, classic; GALACTOSEMIA I; GALT deficiency; GALACTOSE-1-PHOSPHATE URIDYLYLTRANSFERASE DEFICIENCY; Transferase Deficiency Galactosemia. Identifiers: Orphanet 352, Orphanet 79239, MedGen C0268151, MONDO:0009258, OMIM 230400.

Submissions (3):

Natera, Inc.
Classification: Likely pathogenic for Galactosemia. Last evaluated: 2024-12-31. Review status: criteria provided, single submitter. Criteria: Natera Variant Classification Schema (03/2026). Collection method: clinical testing. Allele origin: germline.
Comment: The c.508-1G>C variant in GALT is a canonical splice acceptor site variant predicted to affect pre-mRNA splicing, which may result in an abnormal transcript and altered protein product. This variant is expected to result in nonsense mediated decay, truncation, or a dysfunctional protein product. This variant is rare in the general population with a frequency below the threshold expected for the associated phenotype(s). Given the available evidence, this variant is classified as Likely Pathogenic.

Fulgent Genetics
Classification: Likely pathogenic for Deficiency of UDPglucose-hexose-1-phosphate uridylyltransferase. Last evaluated: 2018-10-31. Review status: criteria provided, single submitter. Criteria: ACMG Guidelines, 2015. Collection method: clinical testing. Allele origin: unknown.

Eurofins Ntd Llc (ga)
Classification: Pathogenic. Last evaluated: 2012-11-01. Review status: criteria provided, single submitter. Criteria: EGL Classification Definitions 2015. Collection method: clinical testing. Allele origin: germline. Observed: 3 variant alleles, 3 heterozygotes.

NM_000155.4(GALT):c.508-1G>C

Gene: GALT (galactose-1-phosphate uridylyltransferase; plus strand). Cytogenetic location: 9p13.3.
Variant type: single nucleotide variant.
Coding change: c.508-1G>C on transcript NM_000155.4 (MANE Select); the canonical splice acceptor site of the intron before coding-DNA position 508, G replaced by C.
Molecular consequence: splice acceptor variant.
Genome position (GRCh38, 1-based): chr9:34,648,114, G>C. VCF-style: chr9-34648114-G-C. GRCh37 (hg19) VCF-style: chr9-34648111-G-C.
Other names: c.181-1G>C (NM_001258332.2).
Identifiers: ClinVar variation 92517 (VCV000092517.7), dbSNP rs398123181, ClinGen allele CA266759.